The following is an entry in ClinVar:

ClinVar aggregate classification (germline): Conflicting classifications of pathogenicity. Review status: criteria provided, conflicting classifications (1 of 4 stars). 2 submissions from 2 submitters: Uncertain significance (1); Benign (1). Last evaluated 2025-10-28.

Conditions:
Hereditary cancer-predisposing syndrome. Also called: Hereditary neoplastic syndrome; Tumor predisposition; Hereditary Cancer Syndrome; Neoplastic Syndromes, Hereditary. Identifiers: Orphanet 140162, MedGen C0027672, MeSH D009386, MONDO:0015356.
Fanconi anemia complementation group O. Also called: RAD51C-Related Fanconi Anemia. Identifiers: Orphanet 84, MedGen C3150653, MONDO:0013248, OMIM 613390.

Submissions (2):

Ambry Genetics
Classification: Benign for Hereditary cancer-predisposing syndrome. Last evaluated: 2025-10-28. Review status: criteria provided, single submitter. Criteria: Ambry Variant Classification Scheme 2023. Collection method: clinical testing. Allele origin: germline.

Labcorp Genetics (formerly Invitae), Labcorp
Classification: Uncertain significance for Fanconi anemia complementation group O. Last evaluated: 2025-06-11. Review status: criteria provided, single submitter. Criteria: Invitae Variant Classification Sherloc (09022015). Collection method: clinical testing. Allele origin: germline.
Comment: This sequence change replaces alanine, which is neutral and non-polar, with threonine, which is neutral and polar, at codon 152 of the RAD51C protein (p.Ala152Thr). This variant is not present in population databases (gnomAD no frequency). This variant has not been reported in the literature in individuals affected with RAD51C-related conditions. ClinVar contains an entry for this variant (Variation ID: 576552). Invitae Evidence Modeling of protein sequence and biophysical properties (such as structural, functional, and spatial information, amino acid conservation, physicochemical variation, residue mobility, and thermodynamic stability) indicates that this missense variant is not expected to disrupt RAD51C protein function with a negative predictive value of 80%. In summary, the available evidence is currently insufficient to determine the role of this variant in disease. Therefore, it has been classified as a Variant of Uncertain Significance.

NM_058216.3(RAD51C):c.454G>A (p.Ala152Thr)

Gene: RAD51C (RAD51 paralog C; plus strand). Cytogenetic location: 17q22.
Variant type: single nucleotide variant.
Coding change: c.454G>A on transcript NM_058216.3 (MANE Select); coding-DNA position 454, G replaced by A.
Protein change: p.Ala152Thr; replaces alanine 152 with threonine.
Molecular consequence: missense variant.
Genome position (GRCh38, 1-based): chr17:58,696,742, G>A. VCF-style: chr17-58696742-G-A. GRCh37 (hg19) VCF-style: chr17-56774103-G-A.
Other names: short protein forms A152T.
Identifiers: ClinVar variation 576552 (VCV000576552.15), dbSNP rs1555594643, ClinGen allele CA400344458.